The following is an entry in ClinVar:

ClinVar aggregate classification (germline): Uncertain significance. Review status: criteria provided, multiple submitters, no conflicts (2 of 4 stars). 7 submissions from 7 submitters: Uncertain significance (7). Last evaluated 2025-11-18.

Conditions:
Hereditary cancer-predisposing syndrome. Also called: Hereditary Cancer Syndrome; Neoplastic Syndromes, Hereditary; Tumor predisposition; Hereditary neoplastic syndrome. Identifiers: Orphanet 140162, MedGen C0027672, MeSH D009386, MONDO:0015356.
Peutz-Jeghers syndrome (PJS). Also called: Peutz-Jeghers polyposis; Periorificial lentiginosis syndrome; POLYPOSIS, HAMARTOMATOUS INTESTINAL; POLYPS-AND-SPOTS SYNDROME. Identifiers: Orphanet 2869, MedGen C0031269, MeSH D010580, MONDO:0008280, OMIM 175200.
Melanoma, cutaneous malignant, susceptibility to, 1 (CMM1). Also called: B-K MOLE SYNDROME; MELANOMA, MALIGNANT; DYSPLASTIC NEVUS SYNDROME, HEREDITARY; FAMILIAL ATYPICAL MOLE-MALIGNANT MELANOMA SYNDROME. Identifiers: Orphanet 618, MedGen C1835047, MONDO:0007963, OMIM 155600.

Allele frequency attached by ClinVar (database versions not stated): TOPMed below 0.00001.

Submissions (7):

Labcorp Genetics (formerly Invitae), Labcorp
Classification: Uncertain significance for Peutz-Jeghers syndrome. Last evaluated: 2025-11-18. Review status: criteria provided, single submitter. Criteria: Invitae Variant Classification Sherloc (09022015). Collection method: clinical testing. Allele origin: germline.
Comment: This sequence change replaces proline, which is neutral and non-polar, with arginine, which is basic and polar, at codon 38 of the STK11 protein (p.Pro38Arg). This variant is not present in population databases (gnomAD no frequency). This variant has not been reported in the literature in individuals affected with STK11-related conditions. ClinVar contains an entry for this variant (Variation ID: 639482). Invitae Evidence Modeling of protein sequence and biophysical properties (such as structural, functional, and spatial information, amino acid conservation, physicochemical variation, residue mobility, and thermodynamic stability) has been performed for this missense variant. However, the output from this modeling did not meet the statistical confidence thresholds required to predict the impact of this variant on STK11 protein function. In summary, the available evidence is currently insufficient to determine the role of this variant in disease. Therefore, it has been classified as a Variant of Uncertain Significance.

Ambry Genetics
Classification: Uncertain significance for Hereditary cancer-predisposing syndrome. Last evaluated: 2025-11-15. Review status: criteria provided, single submitter. Criteria: Ambry Variant Classification Scheme 2023. Collection method: clinical testing. Allele origin: germline.
Comment: The p.P38R variant (also known as c.113C>G), located in coding exon 1 of the STK11 gene, results from a C to G substitution at nucleotide position 113. The proline at codon 38 is replaced by arginine, an amino acid with dissimilar properties. This amino acid position is conserved. In addition, the in silico prediction for this alteration is inconclusive. Based on the available evidence, the clinical significance of this variant remains unclear.

Baylor Genetics
Classification: Uncertain significance for Melanoma, cutaneous malignant, susceptibility to, 1. Last evaluated: 2023-12-28. Review status: criteria provided, single submitter. Criteria: ACMG Guidelines, 2015. Collection method: clinical testing. Allele origin: unknown.

All of Us Research Program, National Institutes of Health
Classification: Uncertain significance for Peutz-Jeghers syndrome. Last evaluated: 2023-12-01. Review status: criteria provided, single submitter. Criteria: ACMG Guidelines, 2015. Collection method: clinical testing. Allele origin: germline. Inheritance: Autosomal dominant inheritance. Observed: 2 variant alleles, 2 heterozygotes.
Comment: This study involves interpretation of variants in research participants for the purpose of population health screening. Participant phenotype was not available at the time of variant classification. Additional details can be found in publication PMID: 35346344, PMCID: PMC8962531

GeneDx
Classification: Uncertain significance. Last evaluated: 2023-06-12. Review status: criteria provided, single submitter. Criteria: GeneDx Variant Classification Process June 2021. Collection method: clinical testing. Allele origin: germline. Affected: yes.
Comment: Not observed at significant frequency in large population cohorts (gnomAD); In silico analysis supports that this missense variant does not alter protein structure/function; Has not been previously published as pathogenic or benign to our knowledge

Women's Health and Genetics/Laboratory Corporation of America, LabCorp
Classification: Uncertain significance. Last evaluated: 2021-12-22. Review status: criteria provided, single submitter. Criteria: LabCorp Variant Classification Summary - May 2015. Collection method: clinical testing. Allele origin: germline.

Genome-Nilou Lab
Classification: Uncertain significance for Peutz-Jeghers syndrome. Last evaluated: 2021-07-15. Review status: criteria provided, single submitter. Criteria: ACMG Guidelines, 2015. Collection method: clinical testing. Allele origin: germline. Affected: no.

NM_000455.5(STK11):c.113C>G (p.Pro38Arg)

Gene: STK11 (serine/threonine kinase 11; plus strand). Cytogenetic location: 19p13.3.
Variant type: single nucleotide variant.
Coding change: c.113C>G on transcript NM_000455.5 (MANE Select); coding-DNA position 113, C replaced by G.
Protein change: p.Pro38Arg; replaces proline 38 with arginine.
Molecular consequence: missense variant.
Genome position (GRCh38, 1-based): chr19:1,207,026, C>G. VCF-style: chr19-1207026-C-G. GRCh37 (hg19) VCF-style: chr19-1207025-C-G.
Other names: short protein forms P38R.
Identifiers: ClinVar variation 639482 (VCV000639482.15), dbSNP rs1568690036, ClinGen allele CA402943907.